The following is an entry in ClinVar:

ClinVar aggregate classification (germline): Uncertain significance (1 of 4 stars; one submission).

Submission:

GeneDx
Classification: Uncertain significance. Last evaluated: 2025-05-30. Review status: criteria provided, single submitter. Criteria: GeneDx Variant Classification Process June 2021. Collection method: clinical testing. Allele origin: germline. Affected: yes.
Comment: Not observed at significant frequency in large population cohorts (gnomAD); In silico analysis supports that this missense variant has a deleterious effect on protein structure/function; Has not been previously published as pathogenic or benign to our knowledge; This variant is associated with the following publications: (PMID: 23516486, 20694007)

NM_000321.3(RB1):c.2633A>G (p.Asp878Gly)

Gene: RB1 (RB transcriptional corepressor 1; plus strand). Cytogenetic location: 13q14.2.
Variant type: single nucleotide variant.
Coding change: c.2633A>G on transcript NM_000321.3 (MANE Select); coding-DNA position 2633, A replaced by G.
Protein change: p.Asp878Gly; replaces aspartic acid 878 with glycine.
Molecular consequence: missense variant.
Genome position (GRCh38, 1-based): chr13:48,476,813, A>G. VCF-style: chr13-48476813-A-G. GRCh37 (hg19) VCF-style: chr13-49050949-A-G.
Other names: c.2633A>G, p.Asp878Gly (NM_001407165.1); c.83A>G, p.Asp28Gly (NM_001407168.1); short protein forms D28G, D878G.
Identifiers: ClinVar variation 4532741 (VCV004532741.1).
Genomic context (GRCh38, chr13:48,476,813, plus strand): 5'-TGCTCAAAAGAAGTGCTGAAGGAAGCAACCCTCCTAAACCACTGAAAAAACTACGCTTTG[A>G]TATTGAAGGATCAGATGAAGCAGATGGAAGGTAGGAACCAGTTTTGAATGTTTTCCAGTA-3'
Protein context (NP_000312.2, residues 868-888): PPKPLKKLRF[Asp878Gly]IEGSDEADGS